The following is an entry in ClinVar:

NM_020297.4(ABCC9):c.4512+824G>C

Genes: KCNJ8-AS1 (KCNJ8 antisense RNA 1; plus strand), ABCC9 (ATP binding cassette subfamily C member 9; minus strand). Cytogenetic location: 12p12.1.
Variant type: single nucleotide variant.
Coding change: c.4512+824G>C on transcript NM_020297.4 (MANE Select); 824 bases into the intron after coding-DNA position 4512, G replaced by C.
Molecular consequence: intron variant. On other transcripts: stop lost (1).
Genome position (GRCh38, 1-based): chr12:21,805,174, C>G on the plus strand (G>C on the coding strand, the complement: ABCC9 is on the minus strand). VCF-style: chr12-21805174-C-G. GRCh37 (hg19) VCF-style: chr12-21958108-C-G.
Other names: c.4650G>C, p.Ter1550Tyr (NM_005691.4); c.3645+824G>C (NM_001377274.1); c.4512+824G>C (NM_001377273.1).
Identifiers: ClinVar variation 1021093 (VCV001021093.8), dbSNP rs1941745235, ClinGen allele CA384128572.

ClinVar aggregate classification (germline): Uncertain significance. Review status: criteria provided, multiple submitters, no conflicts (2 of 4 stars). 2 submissions from 2 submitters: Uncertain significance (2). Last evaluated 2023-04-28.

Conditions:
Atrial fibrillation, familial, 12 (ATFB12). Identifiers: MedGen C3279695, MONDO:0013545, OMIM 614050.
Hypertrichotic osteochondrodysplasia Cantu type. Also called: Cantu Syndrome; Cantú Syndrome. Identifiers: Orphanet 1517, MedGen C0795905, MONDO:0009406, OMIM 239850.
Dilated cardiomyopathy 1O (CMD1O). Also called: CARDIOMYOPATHY, DILATED, WITH VENTRICULAR TACHYCARDIA. Identifiers: Orphanet 154, MedGen C1837839, MONDO:0012062, OMIM 608569.
Intellectual disability and myopathy syndrome (IDMYS). Identifiers: MedGen C5676904, MONDO:0859224, OMIM 619719.

Submissions (2):

Labcorp Genetics (formerly Invitae), Labcorp
Classification: Uncertain significance for Dilated cardiomyopathy 1O. Last evaluated: 2023-04-28. Review status: criteria provided, single submitter. Criteria: Invitae Variant Classification Sherloc (09022015). Collection method: clinical testing. Allele origin: germline.
Comment: Experimental studies and prediction algorithms are not available or were not evaluated, and the functional significance of this variant is currently unknown. In summary, the available evidence is currently insufficient to determine the role of this variant in disease. Therefore, it has been classified as a Variant of Uncertain Significance. This variant is not present in population databases (gnomAD no frequency). ClinVar contains an entry for this variant (Variation ID: 1021093). This variant has not been reported in the literature in individuals affected with ABCC9-related conditions. This sequence change disrupts the translational stop signal of the ABCC9 mRNA. It is expected to extend the length of the ABCC9 protein by an uncertain number of additional amino acid residues.

Fulgent Genetics
Classification: Uncertain significance for Hypertrichotic osteochondrodysplasia Cantu type; Dilated cardiomyopathy 1O; Atrial fibrillation, familial, 12; Intellectual disability and myopathy syndrome. Last evaluated: 2021-11-03. Review status: criteria provided, single submitter. Criteria: ACMG Guidelines, 2015. Collection method: clinical testing. Allele origin: unknown.